The following is an entry in ClinVar:

NM_001242.5(CD27):c.779C>G (p.Pro260Arg)

Genes: CD27 (CD27 molecule; plus strand), CD27-AS1 (CD27 antisense RNA 1; minus strand). Cytogenetic location: 12p13.31.
Variant type: single nucleotide variant.
Coding change: c.779C>G on transcript NM_001242.5 (MANE Select); coding-DNA position 779, C replaced by G.
Protein change: p.Pro260Arg; replaces proline 260 with arginine.
Molecular consequence: missense variant. On other transcripts: non-coding transcript variant (5).
Genome position (GRCh38, 1-based): chr12:6,451,388, C>G. VCF-style: chr12-6451388-C-G. GRCh37 (hg19) VCF-style: chr12-6560554-C-G.
Other names: c.872C>G, p.Pro291Arg (NM_001413263.1); c.752C>G, p.Pro251Arg (NM_001413264.1); c.599C>G, p.Pro200Arg (NM_001413265.1); c.329C>G, p.Pro110Arg (NM_001413266.1, NM_001413267.1, NM_001413268.1); short protein forms P260R, P291R, P251R, P110R, P200R.
Identifiers: ClinVar variation 2733384 (VCV002733384.3), dbSNP rs756140861, ClinGen allele CA383551698.

ClinVar aggregate classification (germline): Uncertain significance (1 of 4 stars; one submission).

Conditions:
Lymphoproliferative syndrome 2 (LPFS2). Also called: CD27 DEFICIENCY; Combined immunodeficiency due to CD27 deficiency. Identifiers: Orphanet 238505, MedGen C3554540, MONDO:0014054, OMIM 615122.

gnomAD v4.1: 13 of 1,612,734 alleles (0.00081%); highest among the groups gnomAD compares: Non-Finnish European, 0.00093%; no homozygotes.

Submission:

Labcorp Genetics (formerly Invitae), Labcorp
Classification: Uncertain significance for Lymphoproliferative syndrome 2. Last evaluated: 2025-11-10. Review status: criteria provided, single submitter. Criteria: Invitae Variant Classification Sherloc (09022015). Collection method: clinical testing. Allele origin: germline.
Comment: This sequence change replaces proline, which is neutral and non-polar, with arginine, which is basic and polar, at codon 260 of the CD27 protein (p.Pro260Arg). This variant is not present in population databases (gnomAD no frequency). This variant has not been reported in the literature in individuals affected with CD27-related conditions. ClinVar contains an entry for this variant (Variation ID: 2733384). An algorithm developed to predict the effect of missense changes on protein structure and function (PolyPhen-2) suggests that this variant is likely to be disruptive. In summary, the available evidence is currently insufficient to determine the role of this variant in disease. Therefore, it has been classified as a Variant of Uncertain Significance.